The following is an entry in ClinVar:

ClinVar aggregate classification (germline): Benign/Likely benign. Review status: criteria provided, multiple submitters, no conflicts (2 of 4 stars). 12 submissions from 12 submitters: Benign (9); Likely benign (2). 1 of the submissions does not count toward it. Last evaluated 2026-01-26.

Conditions:
Becker muscular dystrophy (BMD). Also called: Becker Muscular Dystrophy (BMD); MUSCULAR DYSTROPHY, PSEUDOHYPERTROPHIC PROGRESSIVE, BECKER TYPE. Identifiers: Orphanet 98895, MedGen C0917713, MONDO:0010311, OMIM 300376.
Dystrophin deficiency.
Cardiomyopathy (CMYO). Also called: Cardiomyopathies. Identifiers: Orphanet 167848, MedGen C0878544, MONDO:0004994, HP:0001638. Inheritance: Various modes of inheritance.
Duchenne muscular dystrophy (DMD). Also called: Duchenne Muscular Dystrophy (DMD); MUSCULAR DYSTROPHY, PSEUDOHYPERTROPHIC PROGRESSIVE, DUCHENNE TYPE. Identifiers: Orphanet 98896, MedGen C0013264, MONDO:0010679, OMIM 310200.
Cardiovascular phenotype. Identifiers: MedGen CN230736.
Dilated cardiomyopathy 3B (CMD3B). Also called: CMD3B: DMD-Related Dilated Cardiomyopathy; CARDIOMYOPATHY, DILATED, X-LINKED; DMD-Associated Dilated Cardiomyopathy. Identifiers: Orphanet 154, MedGen C3668940, MONDO:0010542, OMIM 302045.

Allele frequency attached by ClinVar (database versions not stated): gnomAD 0.00048 and 0.00058; TOPMed 0.00070; gnomAD exomes 0.00072 and 0.00151; ExAC 0.00181; 1000 Genomes Project 0.00185; 1000 Genomes Project 30x 0.00187.
gnomAD v4.1: 834 of 1,203,022 alleles (0.069%); highest among the groups gnomAD compares: East Asian, 2.3%; 8 homozygotes.

Submissions (12):

Labcorp Genetics (formerly Invitae), Labcorp
Classification: Benign for Duchenne muscular dystrophy. Last evaluated: 2026-01-26. Review status: criteria provided, single submitter. Criteria: Invitae Variant Classification Sherloc (09022015). Collection method: clinical testing. Allele origin: germline.

Molecular Diagnostic Laboratory for Inherited Cardiovascular Disease, Montreal Heart Institute
Classification: Likely benign. Last evaluated: 2025-04-09. Review status: criteria provided, single submitter. Criteria: ACMG Guidelines, 2015. Collection method: clinical testing. Allele origin: germline. Affected: no.

Blueprint Genetics
Classification: Likely benign. Last evaluated: 2024-11-20. Review status: criteria provided, single submitter. Criteria: ACMG Guidelines, 2015. Collection method: clinical testing. Allele origin: germline.

Mayo Clinic Laboratories, Mayo Clinic
Classification: Benign. Last evaluated: 2024-02-22. Review status: criteria provided, single submitter. Criteria: ACMG Guidelines, 2015. Collection method: clinical testing. Allele origin: germline. Observed: 2 variant alleles.
Comment: BA1, BP4, BP7

Fulgent Genetics
Classification: Benign for Becker muscular dystrophy; Dilated cardiomyopathy 3B; Duchenne muscular dystrophy. Last evaluated: 2021-07-06. Review status: criteria provided, single submitter. Criteria: ACMG Guidelines, 2015. Collection method: clinical testing. Allele origin: unknown.

Ambry Genetics
Classification: Benign for Cardiovascular phenotype. Last evaluated: 2019-05-17. Review status: criteria provided, single submitter. Criteria: Ambry Variant Classification Scheme 2023. Collection method: clinical testing. Allele origin: germline.

Illumina Laboratory Services, Illumina
Classification: Benign for Dilated cardiomyopathy 3B. Last evaluated: 2017-04-27. Review status: criteria provided, single submitter. Criteria: ICSL Variant Classification Criteria 13 December 2019. Collection method: clinical testing. Allele origin: germline.
Comment: This variant was observed as part of a predisposition screen in an ostensibly healthy population. A literature search was performed for the gene, cDNA change, and amino acid change (where applicable). Publications were found based on this search. The evidence from the literature, in combination with allele frequency data from public databases where available, was sufficient to rule this variant out of causing disease. Therefore, this variant is classified as benign.

GeneDx
Classification: Benign. Last evaluated: 2016-09-02. Review status: criteria provided, single submitter. Criteria: GeneDx Variant Classification (06012015). Collection method: clinical testing. Allele origin: germline. Affected: yes.
Comment: This variant is considered likely benign or benign based on one or more of the following criteria: it is a conservative change, it occurs at a poorly conserved position in the protein, it is predicted to be benign by multiple in silico algorithms, and/or has population frequency not consistent with disease.

Genomic Diagnostic Laboratory, Division of Genomic Diagnostics, Children's Hospital of Philadelphia
Classification: Benign. Last evaluated: 2015-11-04. Review status: criteria provided, single submitter. Criteria: DGD Variant Analysis Guidelines. Collection method: clinical testing. Allele origin: unknown.

Eurofins Ntd Llc (ga)
Classification: Benign. Last evaluated: 2014-09-14. Review status: criteria provided, single submitter. Criteria: EGL Classification Definitions 2015. Collection method: clinical testing. Allele origin: germline. Observed: 1 variant allele, 1 hemizygote.

Breakthrough Genomics
Classification: Benign. Review status: criteria provided, single submitter. Criteria: ACMG Guidelines, 2015. Collection method: not provided. Allele origin: germline. Inheritance: X-linked inheritance. Affected: yes.

Natera, Inc.
Classification: Likely benign for Becker muscular dystrophy; Cardiomyopathy; Duchenne muscular dystrophy; Dystrophin deficiency. Last evaluated: 2017-11-06. Review status: no assertion criteria provided. Collection method: clinical testing. Allele origin: germline. Not counted in ClinVar's aggregate classification.

Literature cited by the submitters: PubMed 18583217 (cited by Mayo Clinic Laboratories, Mayo Clinic and Illumina Laboratory Services, Illumina); PubMed 25636106 (cited by Mayo Clinic Laboratories, Mayo Clinic and Illumina Laboratory Services, Illumina).

NM_004006.3(DMD):c.2381-3T>C

Gene: DMD (dystrophin; minus strand). Cytogenetic location: Xp21.1.
Variant type: single nucleotide variant.
Coding change: c.2381-3T>C on transcript NM_004006.3 (MANE Select); 3 bases into the intron before coding-DNA position 2381, T replaced by C.
Molecular consequence: intron variant.
Genome position (GRCh38, 1-based): chrX:32,491,521, A>G on the plus strand (T>C on the coding strand, the complement: DMD is on the minus strand). VCF-style: chrX-32491521-A-G. GRCh37 (hg19) VCF-style: chrX-32509638-A-G.
Other names: p.?; c.2357-3T>C (NM_000109.3, NM_000109.4); c.2369-3T>C (NM_004009.3); c.2012-3T>C (NM_004010.3).
Identifiers: ClinVar variation 195492 (VCV000195492.30), dbSNP rs147931243, ClinGen allele CA201787.